The following is an entry in ClinVar:

ClinVar aggregate classification (germline): Uncertain significance (1 of 4 stars; one submission).

Conditions:
Hereditary cancer-predisposing syndrome. Also called: Neoplastic Syndromes, Hereditary; Tumor predisposition; Hereditary Cancer Syndrome; Hereditary neoplastic syndrome. Identifiers: Orphanet 140162, MedGen C0027672, MeSH D009386, MONDO:0015356.

gnomAD v4.1: 1 of 1,612,692 alleles (0.000062%); highest among the groups gnomAD compares: Non-Finnish European, 0.000085%; no homozygotes.

Submission:

Ambry Genetics
Classification: Uncertain significance for Hereditary cancer-predisposing syndrome. Last evaluated: 2020-05-20. Review status: criteria provided, single submitter. Criteria: Ambry Variant Classification Scheme 2023. Collection method: clinical testing. Allele origin: germline.
Comment: The p.P1378L variant (also known as c.4133C>T), located in coding exon 33 of the TSC2 gene, results from a C to T substitution at nucleotide position 4133. The proline at codon 1378 is replaced by leucine, an amino acid with similar properties. This amino acid position is not well conserved in available vertebrate species. In addition, this alteration is predicted to be deleterious by in silico analysis. Since supporting evidence is limited at this time, the clinical significance of this alteration remains unclear.

NM_000548.5(TSC2):c.4133C>T (p.Pro1378Leu)

Gene: TSC2 (TSC complex subunit 2; plus strand). Cytogenetic location: 16p13.3.
Variant type: single nucleotide variant.
Coding change: c.4133C>T on transcript NM_000548.5 (MANE Select); coding-DNA position 4133, C replaced by T.
Protein change: p.Pro1378Leu; replaces proline 1378 with leucine.
Molecular consequence: missense variant.
Genome position (GRCh38, 1-based): chr16:2,084,355, C>T. VCF-style: chr16-2084355-C-T. GRCh37 (hg19) VCF-style: chr16-2134356-C-T.
Other names: c.3932C>T, p.Pro1311Leu (NM_001077183.3); c.4064C>T, p.Pro1355Leu (NM_001114382.3); c.3824C>T, p.Pro1275Leu (NM_001318827.2); c.3788C>T, p.Pro1263Leu (NM_001318829.2); c.3401C>T, p.Pro1134Leu (NM_001318831.2); c.3965C>T, p.Pro1322Leu (NM_001318832.2); c.3935C>T, p.Pro1312Leu (NM_001363528.2); c.4001C>T, p.Pro1334Leu (NM_001370404.1); and 26 more; short protein forms P1111L, P1134L, P1158L, P1262L, P1292L, P1311L, P1312L, P1334L.
Identifiers: ClinVar variation 1738098 (VCV001738098.2), dbSNP rs1596416159, ClinGen allele CA394299608.